The following is an entry in ClinVar:

ClinVar aggregate classification (germline): Pathogenic/Likely pathogenic. Review status: criteria provided, multiple submitters, no conflicts (2 of 4 stars). 2 submissions from 2 submitters: Pathogenic (1); Likely pathogenic (1). Last evaluated 2025-07-22.

Conditions:
Global developmental delay with or without impaired intellectual development. Identifiers: MedGen C5193032, MONDO:0032680, OMIM 618330.

Submissions (2):

3billion
Classification: Pathogenic for Global developmental delay with or without impaired intellectual development. Last evaluated: 2025-07-22. Review status: criteria provided, single submitter. Criteria: ACMG Guidelines, 2015. Collection method: clinical testing. Allele origin: germline. Affected: yes.
Comment: The variant is not observed in the gnomAD v4.1.0 dataset. Predicted Consequence/Location: Stop-gained (nonsense): predicted to result in a loss or disruption of normal protein function through nonsense-mediated decay (NMD) or protein truncation. Multiple pathogenic variants are reported downstream of the variant. The variant has been reported to be associated with CUX1-related disorder (ClinVar ID: VCV003767123). Therefore, this variant is classified as Pathogenic according to the recommendation of ACMG/AMP guideline.

Juno Genomics, Hangzhou Juno Genomics, Inc
Classification: Likely pathogenic for Global developmental delay with or without impaired intellectual development. Review status: criteria provided, single submitter. Criteria: ACMG Guidelines, 2015. Collection method: clinical testing. Allele origin: germline. Affected: yes.
Comment: Absent from controls (or at extremely low frequency if recessive) in Genome Aggregation Database, Exome Sequencing Project, 1000 Genomes Project, or Exome Aggregation Consortium.;Null variant in a gene where loss of function (LOF) is a known mechanism of disease.

NM_181552.4(CUX1):c.2596G>T (p.Glu866Ter)

Gene: CUX1 (cut like homeobox 1; plus strand). Cytogenetic location: 7q22.1.
Variant type: single nucleotide variant.
Coding change: c.2596G>T on transcript NM_181552.4 (MANE Select); coding-DNA position 2596, G replaced by T.
Protein change: p.Glu866Ter; replaces glutamic acid 866 with a stop codon.
Molecular consequence: nonsense. On other transcripts: intron variant (5).
Genome position (GRCh38, 1-based): chr7:102,201,893, G>T. VCF-style: chr7-102201893-G-T. GRCh37 (hg19) VCF-style: chr7-101845173-G-T.
Other names: c.2629G>T, p.Glu877Ter (NM_001202543.2); c.1255+6290G>T (NM_001913.5); c.1249+6290G>T (NM_181500.4); c.1117+6290G>T (NM_001202545.3); c.1207+6290G>T (NM_001202544.3); c.1138+6290G>T (NM_001202546.3); short protein forms E866*, E877*.
Identifiers: ClinVar variation 3767123 (VCV003767123.3).